The following is an entry in ClinVar:

NM_000377.3(WAS):c.1339-18G>A

Gene: WAS (WASP actin nucleation promoting factor; plus strand). Cytogenetic location: Xp11.23.
Variant type: single nucleotide variant.
Coding change: c.1339-18G>A on transcript NM_000377.3 (MANE Select); 18 bases into the intron before coding-DNA position 1339, G replaced by A.
Molecular consequence: intron variant.
Genome position (GRCh38, 1-based): chrX:48,689,302, G>A. VCF-style: chrX-48689302-G-A. GRCh37 (hg19) VCF-style: chrX-48547691-G-A.
Other names: c.1339-18G>A (NM_000377.2).
Identifiers: ClinVar variation 1563586 (VCV001563586.13), dbSNP rs370010448, ClinGen allele CA10404082.

ClinVar aggregate classification (germline): Benign/Likely benign. Review status: criteria provided, multiple submitters, no conflicts (2 of 4 stars). 5 submissions from 5 submitters: Benign (1); Likely benign (3). 1 of the submissions does not count toward it. Last evaluated 2026-02-01.

Conditions:
X-linked severe congenital neutropenia (SCNX). Identifiers: Orphanet 86788, MedGen C1845987, MONDO:0010294, OMIM 300299.
Thrombocytopenia 1. Also called: X-linked thrombocytopenia with normal platelets; THROMBOCYTOPENIA, X-LINKED, 1; X-Linked Thrombocytopenia (XLT). Identifiers: Orphanet 268322, Orphanet 852, MedGen C1839163, MONDO:0010743, OMIM 313900.
Wiskott-Aldrich syndrome (WAS). Also called: ALDRICH SYNDROME; IMMUNODEFICIENCY 2; WISKOTT-ALDRICH SYNDROME 1; Wiskott-aldrich syndrome, somatic. Identifiers: Orphanet 906, MedGen C0043194, MONDO:0010518, OMIM 301000.
WAS-related disorder. Also called: WAS-related condition; WAS-Related Disorders. Identifiers: MedGen CN381538.

Allele frequency attached by ClinVar (database versions not stated): ESP Exome Variant Server 0.00010; ExAC 0.00012; gnomAD exomes 0.00012; TOPMed 0.00014; gnomAD 0.00020.
gnomAD v4.1: 164 of 1,178,470 alleles (0.014%); highest among the groups gnomAD compares: Middle Eastern, 0.32%; no homozygotes.

Submissions (5):

Labcorp Genetics (formerly Invitae), Labcorp
Classification: Benign for Wiskott-Aldrich syndrome; X-linked severe congenital neutropenia; Thrombocytopenia 1. Last evaluated: 2026-02-01. Review status: criteria provided, single submitter. Criteria: Invitae Variant Classification Sherloc (09022015). Collection method: clinical testing. Allele origin: germline.

Blueprint Genetics
Classification: Likely benign. Last evaluated: 2024-09-23. Review status: criteria provided, single submitter. Criteria: ACMG Guidelines, 2015. Collection method: clinical testing. Allele origin: germline.

ARUP Laboratories, Molecular Genetics and Genomics, ARUP Laboratories
Classification: Likely benign. Last evaluated: 2024-02-12. Review status: criteria provided, single submitter. Criteria: ARUP Molecular Germline Variant Investigation Process 2024. Collection method: clinical testing. Allele origin: germline.

Fulgent Genetics
Classification: Likely benign for X-linked severe congenital neutropenia; Wiskott-Aldrich syndrome; Thrombocytopenia 1. Last evaluated: 2022-03-26. Review status: criteria provided, single submitter. Criteria: ACMG Guidelines, 2015. Collection method: clinical testing. Allele origin: unknown.

PreventionGenetics, part of Exact Sciences
Classification: Likely benign for WAS-related condition. Last evaluated: 2023-11-27. Review status: no assertion criteria provided. Collection method: clinical testing. Allele origin: germline. Not counted in ClinVar's aggregate classification.
Comment: This variant is classified as likely benign based on ACMG/AMP sequence variant interpretation guidelines (Richards et al. 2015 PMID: 25741868, with internal and published modifications).